The following is an entry in ClinVar:

ClinVar aggregate classification (germline): Pathogenic. Review status: criteria provided, single submitter (1 of 4 stars). 5 submissions from 2 submitters: Pathogenic (2). 3 of the submissions do not count toward it. Last evaluated 2017-08-31.

Conditions:
Inborn genetic diseases. Identifiers: MedGen C0950123, MeSH D030342.
Acute lymphoid leukemia (ALL). Also called: Leukemia, acute lymphoblastic, somatic; Lymphoblastic leukemia; Acute lymphoblastic leukemia; Acute lymphocytic leukemia. Identifiers: Orphanet 513, MedGen C0023449, MONDO:0004967, OMIM 613065, HP:0006721.
Thrombocytopenia. Identifiers: MedGen C0040034, MeSH D013921, MONDO:0002049, HP:0001873.

Submissions (5):

Ambry Genetics
Classification: Pathogenic for Inborn genetic diseases. Last evaluated: 2017-08-31. Review status: criteria provided, single submitter. Criteria: Ambry exome assertion method (8-5-2015). Collection method: clinical testing. Allele origin: germline. Affected: yes. Observed: 1 variant allele.

Ambry Genetics
Classification: Pathogenic. Last evaluated: 2014-04-18. Review status: criteria provided, single submitter. Criteria: Ambry Autosomal Dominant and X-Linked criteria (9/4/14). Collection method: clinical testing. Allele origin: germline. Inheritance: Autosomal dominant inheritance. Affected: yes.
Comment: LIKELY POSITIVE: Relevant Alteration(s) Detected

Diagnostic Molecular Genetics Laboratory, Memorial Sloan Kettering Cancer Center
Classification: Pathogenic for Thrombocytopenia; LEUKEMIA, ACUTE LYMPHOBLASTIC; ALL. Last evaluated: 2015-03-17. Review status: no assertion criteria provided. Collection method: clinical testing. Allele origin: germline. Affected: yes. Observed: 1 variant allele. Study: B-ALL. Not counted in ClinVar's aggregate classification.
Comment: Co-segregation in family

Diagnostic Molecular Genetics Laboratory, Memorial Sloan Kettering Cancer Center
Classification: Pathogenic for Thrombocytopenia. Last evaluated: 2015-03-17. Review status: no assertion criteria provided. Collection method: clinical testing. Allele origin: germline. Affected: yes. Observed: 1 variant allele. Study: B-ALL. Not counted in ClinVar's aggregate classification.
Comment: the same text as in the submission from Diagnostic Molecular Genetics Laboratory, Memorial Sloan Kettering Cancer Center above.

Ambry Genetics
Classification: Pathogenic for Inborn genetic diseases. Review status: flagged submission. Criteria: Ambry exome assertion method (8-5-2015). Collection method: clinical testing. Allele origin: germline. Inheritance: Autosomal dominant inheritance. Affected: yes. Observed: 1 heterozygote. Segregation with disease observed. Not counted in ClinVar's aggregate classification.
ClinVar note: Reason: This record appears to be redundant with a more recent record from the same submitter.
ClinVar note: Notes: SCV000262993 appears to be redundant with SCV001445276.

Literature cited by the submitters: PubMed 25356970 (cited by Ambry Genetics).

NM_001987.4(ETV6):c.1153-5_1153-1del

Gene: ETV6 (ETS variant transcription factor 6; plus strand). Cytogenetic location: 12p13.2.
Variant type: Microsatellite.
Coding change: c.1153-5_1153-1del on transcript NM_001987.4; 5 bases into the intron before coding-DNA position 1153 through the canonical splice acceptor site of the intron before coding-DNA position 1153, 5 bases deleted (GAACA; older notation c.1153-5_1153-1delGAACA).
Molecular consequence: intron variant (on NM_001413917.1).
Genome position (GRCh38, 1-based): chr12:11,885,930-11,885,934, GAACA deleted; deleting any 5 consecutive bases within chr12:11,885,921-11,885,934 gives the same sequence; the c. name uses the placement nearest the transcript's 3' end. VCF-style (leftmost placement, unchanged base first): chr12-11885920-AAACAG-A. GRCh37 (hg19) VCF-style: chr12-12038854-AAACAG-A.
Other names: c.1153-5_1153-1delAACAG (NM_001987.4); c.1010-5011_1010-5007del (NM_001413917.1); c.1157_1161delGAACA (NM_001987.4).
Identifiers: ClinVar variation 190240 (VCV000190240.7), ClinGen allele CA199643.